The following is an entry in ClinVar:

ClinVar aggregate classification (germline): Uncertain significance (1 of 4 stars; one submission).

gnomAD v4.1: 2 of 1,612,496 alleles (0.00012%); highest among the groups gnomAD compares: Non-Finnish European, 0.00017%; no homozygotes.

Submission:

Labcorp Genetics (formerly Invitae), Labcorp
Classification: Uncertain significance. Last evaluated: 2025-10-08. Review status: criteria provided, single submitter. Criteria: Invitae Variant Classification Sherloc (09022015). Collection method: clinical testing. Allele origin: germline.
Comment: This sequence change replaces isoleucine, which is neutral and non-polar, with methionine, which is neutral and non-polar, at codon 82 of the IL6ST protein (p.Ile82Met). This variant is not present in population databases (gnomAD no frequency). This variant has not been reported in the literature in individuals affected with IL6ST-related conditions. An algorithm developed to predict the effect of missense changes on protein structure and function (PolyPhen-2) suggests that this variant is likely to be tolerated. In summary, the available evidence is currently insufficient to determine the role of this variant in disease. Therefore, it has been classified as a Variant of Uncertain Significance.

NM_002184.4(IL6ST):c.246A>G (p.Ile82Met)

Gene: IL6ST (interleukin 6 cytokine family signal transducer; minus strand). Cytogenetic location: 5q11.2.
Variant type: single nucleotide variant.
Coding change: c.246A>G on transcript NM_002184.4 (MANE Select); coding-DNA position 246, A replaced by G.
Protein change: p.Ile82Met; replaces isoleucine 82 with methionine.
Molecular consequence: missense variant. On other transcripts: non-coding transcript variant (2), intron variant (1), 5 prime UTR variant (3).
Genome position (GRCh38, 1-based): chr5:55,969,674, T>C on the plus strand (A>G on the coding strand, the complement: IL6ST is on the minus strand). VCF-style: chr5-55969674-T-C. GRCh37 (hg19) VCF-style: chr5-55265502-T-C.
Other names: c.246A>G, p.Ile82Met (NM_175767.3, NM_001190981.2, NM_001364275.2); c.160+86A>G (NM_001364276.2); c.-547A>G (NM_001364277.2, NM_001364279.2); c.-537A>G (NM_001364278.2); short protein forms I82M.
Identifiers: ClinVar variation 4728735 (VCV004728735.1).